The following is an entry in ClinVar:

NM_001868.4(CPA1):c.483+5C>T

Gene: CPA1 (carboxypeptidase A1; plus strand). Cytogenetic location: 7q32.2.
Variant type: single nucleotide variant.
Coding change: c.483+5C>T on transcript NM_001868.4 (MANE Select); 5 bases into the intron after coding-DNA position 483, C replaced by T.
Molecular consequence: intron variant.
Genome position (GRCh38, 1-based): chr7:130,382,214, C>T. VCF-style: chr7-130382214-C-T. GRCh37 (hg19) VCF-style: chr7-130022055-C-T.
Other names: c.483+5C>T (NM_001868.2).
Identifiers: ClinVar variation 1920850 (VCV001920850.6), dbSNP rs781796250, ClinGen allele CA4484805.

ClinVar aggregate classification (germline): Uncertain significance. Review status: criteria provided, multiple submitters, no conflicts (2 of 4 stars). 2 submissions from 2 submitters: Uncertain significance (2). Last evaluated 2026-09-08.

Conditions:
Hereditary pancreatitis (PCTT). Also called: PRSS1-Related Hereditary Pancreatitis; Hereditary chronic pancreatitis. Identifiers: Orphanet 676, MedGen C0238339, MONDO:0008185, OMIM 167800.

Allele frequency attached by ClinVar (database versions not stated): ExAC 0.00001; gnomAD exomes below 0.00001.
gnomAD v4.1: 2 of 1,610,036 alleles (0.00012%); highest among the groups gnomAD compares: Non-Finnish European, 0.00017%; no homozygotes.

Submissions (2):

Ambry Genetics
Classification: Uncertain significance for Hereditary pancreatitis. Last evaluated: 2026-09-08. Review status: criteria provided, single submitter. Criteria: Ambry Variant Classification Scheme 2023. Collection method: clinical testing. Allele origin: germline.
Comment: The c.483+5C>T intronic variant results from a C to T substitution 5 nucleotides after coding exon 4 in the CPA1 gene. This nucleotide position is poorly conserved in available vertebrate species. In silico splice site analysis predicts that this alteration will not have any significant effect on splicing. Based on the available evidence, the clinical significance of this variant remains unclear.

Labcorp Genetics (formerly Invitae), Labcorp
Classification: Uncertain significance. Last evaluated: 2024-06-24. Review status: criteria provided, single submitter. Criteria: Invitae Variant Classification Sherloc (09022015). Collection method: clinical testing. Allele origin: germline.
Comment: This sequence change falls in intron 4 of the CPA1 gene. It does not directly change the encoded amino acid sequence of the CPA1 protein. It affects a nucleotide within the consensus splice site. This variant is present in population databases (rs781796250, gnomAD 0.002%). This variant has not been reported in the literature in individuals affected with CPA1-related conditions. ClinVar contains an entry for this variant (Variation ID: 1920850). Variants that disrupt the consensus splice site are a relatively common cause of aberrant splicing (PMID: 17576681, 9536098). Algorithms developed to predict the effect of sequence changes on RNA splicing suggest that this variant is not likely to affect RNA splicing. In summary, the available evidence is currently insufficient to determine the role of this variant in disease. Therefore, it has been classified as a Variant of Uncertain Significance.

Literature cited by the submitters: PubMed 17576681 (cited by Labcorp Genetics (formerly Invitae), Labcorp); PubMed 9536098 (cited by Labcorp Genetics (formerly Invitae), Labcorp).